The following is an entry in ClinVar:

NM_004260.4(RECQL4):c.2964C>G (p.Asp988Glu)

Gene: RECQL4 (RecQ like helicase 4; minus strand). Cytogenetic location: 8q24.3.
Variant type: single nucleotide variant.
Coding change: c.2964C>G on transcript NM_004260.4 (MANE Select); coding-DNA position 2964, C replaced by G.
Protein change: p.Asp988Glu; replaces aspartic acid 988 with glutamic acid.
Molecular consequence: missense variant.
Genome position (GRCh38, 1-based): chr8:144,512,483, G>C on the plus strand (C>G on the coding strand, the complement: RECQL4 is on the minus strand). VCF-style: chr8-144512483-G-C. GRCh37 (hg19) VCF-style: chr8-145737866-G-C.
Other names: short protein forms D988E.
Identifiers: ClinVar variation 1042572 (VCV001042572.1), dbSNP rs1564790791, ClinGen allele CA372673116.

ClinVar aggregate classification (germline): Uncertain significance (1 of 4 stars; one submission).

Conditions:
Baller-Gerold syndrome (BGS). Also called: CRANIOSYNOSTOSIS WITH RADIAL DEFECTS. Identifiers: Orphanet 1225, MedGen C0265308, MONDO:0009039, OMIM 218600.

Allele frequency attached by ClinVar (database versions not stated): gnomAD exomes below 0.00001.
gnomAD v4.1: 3 of 1,612,444 alleles (0.00019%); highest among the groups gnomAD compares: Non-Finnish European, 0.00025%; no homozygotes.

Submission:

Labcorp Genetics (formerly Invitae), Labcorp
Classification: Uncertain significance for Baller-Gerold syndrome. Last evaluated: 2020-09-10. Review status: criteria provided, single submitter. Criteria: Invitae Variant Classification Sherloc (09022015). Collection method: clinical testing. Allele origin: germline.
Comment: This sequence change replaces aspartic acid with glutamic acid at codon 988 of the RECQL4 protein (p.Asp988Glu). The aspartic acid residue is moderately conserved and there is a small physicochemical difference between aspartic acid and glutamic acid. This variant is not present in population databases (ExAC no frequency). This variant has not been reported in the literature in individuals with RECQL4-related conditions. Experimental studies and prediction algorithms are not available or were not evaluated, and the functional significance of this variant is currently unknown. In summary, the available evidence is currently insufficient to determine the role of this variant in disease. Therefore, it has been classified as a Variant of Uncertain Significance.